The following is an entry in ClinVar:

ClinVar aggregate classification (germline): Pathogenic (1 of 4 stars; one submission).

Conditions:
Hermansky-Pudlak syndrome 3 (HPS3). Identifiers: Orphanet 231512, Orphanet 79430, MedGen C3888001, MONDO:0013555, OMIM 614072.

Submission:

Myriad Genetics, Inc.
Classification: Pathogenic for Hermansky-Pudlak syndrome 3. Last evaluated: 2024-05-14. Review status: criteria provided, single submitter. Criteria: Myriad Autosomal Dominant, Autosomal Recessive and X-Linked Classification Criteria (2023). Collection method: clinical testing. Allele origin: unknown.
Comment: NM_032383.3(HPS3):c.2384_2385ins14(Q796Sfs*37) is expected to be pathogenic in the context of Hermansky-Pudlak syndrome, HPS3-related. This variant is predicted to lead to an abnormal or absent protein product due to the creation of a premature termination codon in HPS3, a gene where loss-of-function variants are known to be pathogenic. Please note: this variant was assessed in the context of healthy population screening.

NM_032383.5(HPS3):c.2384_2385insGTCTCTTATACACA (p.Gln796fs)

Genes: CP (ceruloplasmin; minus strand), HPS3 (HPS3 biogenesis of lysosomal organelles complex 2 subunit 1; plus strand). Cytogenetic location: 3q24.
Variant type: Insertion.
Coding change: c.2384_2385insGTCTCTTATACACA on transcript NM_032383.5 (MANE Select); coding-DNA positions 2384 to 2385, GTCTCTTATACACA inserted.
Protein change: p.Gln796fs; shifts the reading frame from glutamine 796.
Molecular consequence: frameshift variant. On other transcripts: non-coding transcript variant (1).
Genome position: GRCh38 VCF-style: chr3-149162781-T-TGTCTCTTATACACA. GRCh37 (hg19) VCF-style: chr3-148880568-T-TGTCTCTTATACACA.
Other names: c.1889_1890insGTCTCTTATACACA, p.Gln631fs (NM_001308258.2); short protein forms Q631fs, Q796fs.
Identifiers: ClinVar variation 5010389 (VCV005010389.1).